The following is an entry in ClinVar:

NM_000350.3(ABCA4):c.[2588G>C;5603A>T]

Variant type: Haplotype.
Identifiers: ClinVar variation 1048132 (VCV001048132.3).

ClinVar aggregate classification (germline): Pathogenic. Review status: reviewed by expert panel (3 of 4 stars). 2 submissions from 2 submitters: Pathogenic (1). 1 of the submissions does not count toward it. Last evaluated 2026-06-23.

Conditions:
Severe early-childhood-onset retinal dystrophy (STGD1). Also called: Stargardt macular dystrophy; Juvenile onset macular degeneration; Stargardt disease 1; MACULAR DYSTROPHY WITH FLECKS, TYPE 1; STGD. Identifiers: Orphanet 364055, Orphanet 827, MedGen C1855465, MeSH D000080362, MONDO:0009549, OMIM 248200.
ABCA4-related retinopathy. Also called: ABCA4-related retinoapthy; ABCA4 retinoapthy. Identifiers: MedGen CN322612, MONDO:0800406.

Submissions (2):

ClinGen ABCA4 Variant Curation Expert Panel, Clingen
Classification: Pathogenic for ABCA4-related retinopathy. Last evaluated: 2026-06-23. Review status: reviewed by expert panel. Criteria: ClinGen ABCA4 ACMG Specifications V1.0.0. Collection method: curation. Allele origin: germline. Inheritance: Autosomal recessive inheritance.
Comment: The NM_000350.3:c.[2588G>C;5603A>T] complex allele consists of variants ABCA4 c.2558G>C and ABCA4 c.5603A>T complexed in cis, which is predicted to cause two substitutions; p.Gly863Ala and p.Asn1868Ile. The estimated probability that variants c.2588G>C and c.5603A>T occur in the same haplotype is 0.0835% (0.0008351), which is higher than the ClinGen ABCA4 VCEP’s threshold for PM2_Supporting (<0.0001). Therefore, no population codes are met. The computational predictor REVEL gives a score of 0.402 for variant c.5603A>T, p.Asn1868Ile and 0.798 for variant c.2588G>C, p.Gly863Ala which is above the threshold of >0.772, evidence that predicts a damaging effect on ABCA4 function (PP3_Moderate). This complex variant has been detected in at least eight individuals with ABCA4-related retinopathy. Of those individuals, six individuals were compound heterozygous for the variant and a pathogenic variant and four of those were confirmed in trans by segregation testing and two individuals were homozygous for the variant (PM3_VeryStrong; PMIDs: 28446513, 35344533, 39462066). Additionally, this complex variant has been reported with high prevalence in patients of ABCA4-related retinopathy as its constituent variant, ABCA4:c.5603A>T, is considered hypomorphic (PMID: 28446513, 31884623). This complex allele shows modest additive functional effects but was below the PS3 thresholds as per ABCA4 VCEP; therefore, PS3 is not met (PMID: 32845050). In summary, this variant meets the criteria to be classified as pathogenic for ABCA4-related retinopathy based on the ACMG/AMP criteria applied, as specified by the ClinGen ABCA4 VCEP (Specification Version 1): PM3_Very Strong, PP3_Moderate.

Institute of Medical Molecular Genetics, University of Zurich
Classification: Likely pathogenic for Severe early-childhood-onset retinal dystrophy. Last evaluated: 2021-01-30. Review status: criteria provided, single submitter. Criteria: ACMG Guidelines, 2015. Collection method: clinical testing. Allele origin: germline. Affected: yes. Not counted in ClinVar's aggregate classification.